The following is an entry in ClinVar:

NM_001023.4(RPS20):c.126C>T (p.Gly42=)

Gene: RPS20 (ribosomal protein S20; minus strand). Cytogenetic location: 8q12.1.
Variant type: single nucleotide variant.
Coding change: c.126C>T on transcript NM_001023.4 (MANE Select); coding-DNA position 126, C replaced by T.
Protein change: p.Gly42=; no amino-acid change (glycine 42 retained).
Molecular consequence: synonymous variant.
Genome position (GRCh38, 1-based): chr8:56,073,746, G>A on the plus strand (C>T on the coding strand, the complement: RPS20 is on the minus strand). VCF-style: chr8-56073746-G-A. GRCh37 (hg19) VCF-style: chr8-56986305-G-A.
Other names: c.126C>T, p.Gly42= (NM_001146227.3).
Identifiers: ClinVar variation 2488430 (VCV002488430.5), dbSNP rs1809837635, ClinGen allele CA461101630.

ClinVar aggregate classification (germline): Benign/Likely benign. Review status: criteria provided, multiple submitters, no conflicts (2 of 4 stars). 3 submissions from 3 submitters: Benign (1); Likely benign (2). Last evaluated 2026-08-03.

Conditions:
Familial colorectal cancer type X. Identifiers: Orphanet 440437, MedGen C3896578, MONDO:0018604.

Allele frequency attached by ClinVar (database versions not stated): gnomAD exomes below 0.00001.
gnomAD v4.1: 1 of 1,613,846 alleles (0.000062%); highest among the groups gnomAD compares: Non-Finnish European, 0.000085%; no homozygotes.

Submissions (3):

Myriad Genetics, Inc.
Classification: Benign for Familial colorectal cancer type X. Last evaluated: 2026-08-03. Review status: criteria provided, single submitter. Criteria: Myriad Autosomal Dominant, Autosomal Recessive and X-Linked Classification Criteria (2023). Collection method: clinical testing. Allele origin: unknown.
Comment: This variant is considered benign. This variant is a silent/synonymous amino acid change and it is not expected to impact splicing.

Labcorp Genetics (formerly Invitae), Labcorp
Classification: Likely benign. Last evaluated: 2024-12-17. Review status: criteria provided, single submitter. Criteria: Invitae Variant Classification Sherloc (09022015). Collection method: clinical testing. Allele origin: germline.

Ambry Genetics
Classification: Likely benign. Last evaluated: 2022-11-16. Review status: criteria provided, single submitter. Criteria: Ambry Variant Classification Scheme 2023. Collection method: clinical testing. Allele origin: germline.